The following is an entry in ClinVar:

ClinVar aggregate classification (germline): Uncertain significance (1 of 4 stars; one submission).

Conditions:
Holoprosencephaly 3 (HPE3). Identifiers: Orphanet 2162, MedGen C1840529, MONDO:0007733, OMIM 142945.

Allele frequency attached by ClinVar (database versions not stated): TOPMed below 0.00001.
gnomAD v4.1: 2 of 152,056 alleles (0.0013%); highest among the groups gnomAD compares: Admixed American, 0.013%; no homozygotes.

Submission:

Labcorp Genetics (formerly Invitae), Labcorp
Classification: Uncertain significance for Holoprosencephaly 3. Last evaluated: 2023-08-17. Review status: criteria provided, single submitter. Criteria: Invitae Variant Classification Sherloc (09022015). Collection method: clinical testing. Allele origin: germline.
Comment: This variant is not present in population databases (gnomAD no frequency). This variant occurs in a non-coding region of the SHH gene. It does not change the encoded amino acid sequence of the SHH protein. This variant has not been reported in the literature in individuals affected with SHH-related conditions. Experimental studies and prediction algorithms are not available or were not evaluated, and the effect of this variant on mRNA splicing is currently unknown. In summary, the available evidence is currently insufficient to determine the role of this variant in disease. Therefore, it has been classified as a Variant of Uncertain Significance.

NC_000007.14:g.156769177C>A

Genes: LMBR1 (limb development membrane protein 1; minus strand), SHH (sonic hedgehog signaling molecule; minus strand). Cytogenetic location: 7q36.3.
Variant type: single nucleotide variant.
Molecular consequence: intron variant (on NM_022458.4).
Genome position: GRCh38 VCF-style: chr7-156769177-C-A. GRCh37 (hg19) VCF-style: chr7-156561871-C-A.
Other names: c.361-5382G>T (NM_001363412.2); c.145-5382G>T (NM_001350954.2); c.424-5382G>T (NM_001363410.2, NM_022458.4, NM_001363409.2 and 1 more transcripts); c.-33-5382G>T (NM_001350958.2, NM_001350956.2, NM_001350955.2 and 1 more transcripts); c.55-5382G>T (NM_001350957.2, NM_001363411.2).
Identifiers: ClinVar variation 2781021 (VCV002781021.3), dbSNP rs1281573378, ClinGen allele CA835794379.